The following is an entry in ClinVar:

ClinVar aggregate classification (germline): Conflicting classifications of pathogenicity. Review status: criteria provided, conflicting classifications (1 of 4 stars). 5 submissions from 5 submitters: Uncertain significance (1); Likely benign (2). 2 of the submissions do not count toward it. Last evaluated 2026-05-28.

Conditions:
Charcot-Marie-Tooth disease. Also called: Charcot-Marie-Tooth Neuropathy; Charcot-Marie-Tooth Hereditary Neuropathy. Identifiers: Orphanet 166, MedGen C0007959, MONDO:0015626.
Charcot-Marie-Tooth disease type 1C. Also called: CHARCOT-MARIE-TOOTH DISEASE, DEMYELINATING, TYPE 1C; CMT, SLOW NERVE CONDUCTION TYPE C; HMSN IC; NEUROPATHY, HEREDITARY MOTOR AND SENSORY, TYPE IC; CHARCOT-MARIE-TOOTH NEUROPATHY, TYPE 1C; Charcot-Marie-Tooth disease, type IC. Identifiers: Orphanet 101083, MedGen C0270913, MONDO:0010995, OMIM 601098.
LITAF-related disorder. Also called: LITAF-related condition.

Allele frequency attached by ClinVar (database versions not stated): gnomAD exomes 0.00002; TOPMed 0.00003; ExAC 0.00005; gnomAD 0.00005; ESP Exome Variant Server 0.00008; 1000 Genomes Project 30x 0.00016; 1000 Genomes Project 0.00020.
gnomAD v4.1: 138 of 1,612,154 alleles (0.0086%); highest among the groups gnomAD compares: Non-Finnish European, 0.011%; no homozygotes.

Submissions (5):

PreventionGenetics, part of Exact Sciences
Classification: Likely benign for LITAF-related condition. Last evaluated: 2026-05-28. Review status: criteria provided, single submitter. Criteria: ACMG Guidelines, 2015. Collection method: clinical testing. Allele origin: germline.
Comment: This variant is classified as likely benign based on ACMG/AMP sequence variant interpretation guidelines (Richards et al. 2015 PMID: 25741868, with internal and published modifications).

Labcorp Genetics (formerly Invitae), Labcorp
Classification: Likely benign for Charcot-Marie-Tooth disease type 1C. Last evaluated: 2025-10-21. Review status: criteria provided, single submitter. Criteria: Invitae Variant Classification Sherloc (09022015). Collection method: clinical testing. Allele origin: germline.

Illumina Laboratory Services, Illumina
Classification: Uncertain significance for Charcot-Marie-Tooth disease type 1C. Last evaluated: 2018-03-30. Review status: criteria provided, single submitter. Criteria: ICSL Variant Classification Criteria 13 December 2019. Collection method: clinical testing. Allele origin: germline.

Genesis Genome Database
Classification: Uncertain significance for Charcot-Marie-Tooth disease. Last evaluated: 2019-08-14. Review status: no assertion criteria provided. Collection method: research. Allele origin: germline. Affected: yes. Not counted in ClinVar's aggregate classification.

Inherited Neuropathy Consortium
Classification: Uncertain significance. Review status: no assertion criteria provided. Collection method: literature only. Allele origin: germline. Affected: yes. Not counted in ClinVar's aggregate classification.

Literature cited by the submitters: PubMed 15776429 (cited by Inherited Neuropathy Consortium).

NM_001136472.2(LITAF):c.477G>A (p.Lys159=)

Gene: LITAF (lipopolysaccharide induced TNF factor; minus strand). Cytogenetic location: 16p13.13.
Variant type: single nucleotide variant.
Coding change: c.477G>A on transcript NM_001136472.2 (MANE Select); coding-DNA position 477, G replaced by A.
Protein change: p.Lys159=; no amino-acid change (lysine 159 retained).
Molecular consequence: synonymous variant. On other transcripts: 3 prime UTR variant (1), non-coding transcript variant (1).
Genome position (GRCh38, 1-based): chr16:11,549,646, C>T on the plus strand (G>A on the coding strand, the complement: LITAF is on the minus strand). VCF-style: chr16-11549646-C-T. GRCh37 (hg19) VCF-style: chr16-11643502-C-T.
Other names: c.*116G>A (NM_001136473.1); c.477G>A, p.Lys159= (NM_004862.4).
Identifiers: ClinVar variation 637892 (VCV000637892.16), dbSNP rs371453151, ClinGen allele CA7904009.